The following is an entry in ClinVar:

ClinVar aggregate classification (germline): Uncertain significance (1 of 4 stars; one submission).

Conditions:
Dilated cardiomyopathy 1II (CMD1II). Identifiers: Orphanet 154, MedGen C3554649, MONDO:0014073, OMIM 615184.

Allele frequency attached by ClinVar (database versions not stated): gnomAD exomes 0.00001.
gnomAD v4.1: 20 of 1,611,590 alleles (0.0012%); highest among the groups gnomAD compares: Non-Finnish European, 0.0017%; no homozygotes.

Submission:

Labcorp Genetics (formerly Invitae), Labcorp
Classification: Uncertain significance for Dilated cardiomyopathy 1II. Last evaluated: 2025-10-02. Review status: criteria provided, single submitter. Criteria: Invitae Variant Classification Sherloc (09022015). Collection method: clinical testing. Allele origin: germline.
Comment: This sequence change replaces glycine, which is neutral and non-polar, with alanine, which is neutral and non-polar, at codon 29 of the CRYAB protein (p.Gly29Ala). This variant is not present in population databases (gnomAD no frequency). This variant has not been reported in the literature in individuals affected with CRYAB-related conditions. ClinVar contains an entry for this variant (Variation ID: 950862). An algorithm developed to predict the effect of missense changes on protein structure and function (PolyPhen-2) suggests that this variant is likely to be disruptive. In summary, the available evidence is currently insufficient to determine the role of this variant in disease. Therefore, it has been classified as a Variant of Uncertain Significance.

NM_001289808.2(CRYAB):c.86G>C (p.Gly29Ala)

Gene: CRYAB (crystallin alpha B; minus strand). Cytogenetic location: 11q23.1.
Variant type: single nucleotide variant.
Coding change: c.86G>C on transcript NM_001289808.2 (MANE Select); coding-DNA position 86, G replaced by C.
Protein change: p.Gly29Ala; replaces glycine 29 with alanine.
Molecular consequence: missense variant.
Genome position (GRCh38, 1-based): chr11:111,911,639, C>G on the plus strand (G>C on the coding strand, the complement: CRYAB is on the minus strand). VCF-style: chr11-111911639-C-G. GRCh37 (hg19) VCF-style: chr11-111782363-C-G.
Other names: c.86G>C, p.Gly29Ala (NM_001289807.1, NM_001368245.1, NM_001885.3); short protein forms G29A.
Identifiers: ClinVar variation 950862 (VCV000950862.8), dbSNP rs1965460969, ClinGen allele CA382600732.